The following is an entry in ClinVar:

NM_001127222.2(CACNA1A):c.372T>G (p.Asp124Glu)

Gene: CACNA1A (calcium voltage-gated channel subunit alpha1 A; minus strand). Cytogenetic location: 19p13.13.
Variant type: single nucleotide variant.
Coding change: c.372T>G on transcript NM_001127222.2 (MANE Select); coding-DNA position 372, T replaced by G.
Protein change: p.Asp124Glu; replaces aspartic acid 124 with glutamic acid.
Molecular consequence: missense variant.
Genome position (GRCh38, 1-based): chr19:13,455,134, A>C on the plus strand (T>G on the coding strand, the complement: CACNA1A is on the minus strand). VCF-style: chr19-13455134-A-C. GRCh37 (hg19) VCF-style: chr19-13565948-A-C.
Other names: c.372T>G, p.Asp124Glu (NM_000068.4, NM_001127221.2, NM_001174080.2 and 1 more transcripts); short protein forms D124E.
Identifiers: ClinVar variation 2507071 (VCV002507071.3), dbSNP rs1342963547, ClinGen allele CA404967797.

ClinVar aggregate classification (germline): Uncertain significance. Review status: criteria provided, multiple submitters, no conflicts (2 of 4 stars). 2 submissions from 2 submitters: Uncertain significance (2). Last evaluated 2025-08-04.

Conditions:
Inborn genetic diseases. Identifiers: MedGen C0950123, MeSH D030342.

Allele frequency attached by ClinVar (database versions not stated): gnomAD exomes below 0.00001.
gnomAD v4.1: 1 of 1,611,542 alleles (0.000062%); highest among the groups gnomAD compares: Admixed American, 0.0017%; no homozygotes.

Submissions (2):

Ambry Genetics
Classification: Uncertain significance for Inborn genetic diseases. Last evaluated: 2025-08-04. Review status: criteria provided, single submitter. Criteria: Ambry Variant Classification Scheme 2023. Collection method: clinical testing. Allele origin: germline.

GeneDx
Classification: Uncertain significance. Last evaluated: 2024-07-15. Review status: criteria provided, single submitter. Criteria: GeneDx Variant Classification Process June 2021. Collection method: clinical testing. Allele origin: germline. Affected: yes.
Comment: Not observed at significant frequency in large population cohorts (gnomAD); In silico analysis indicates that this missense variant does not alter protein structure/function; Has not been previously published as pathogenic or benign to our knowledge